The following is an entry in ClinVar:

NM_014314.4(RIGI):c.628C>T (p.Gln210Ter)

Gene: RIGI (RNA sensor RIG-I; minus strand). Cytogenetic location: 9p21.1.
Variant type: single nucleotide variant.
Coding change: c.628C>T on transcript NM_014314.4 (MANE Select); coding-DNA position 628, C replaced by T.
Protein change: p.Gln210Ter; replaces glutamine 210 with a stop codon.
Molecular consequence: nonsense.
Genome position (GRCh38, 1-based): chr9:32,491,364, G>A on the plus strand (C>T on the coding strand, the complement: RIGI is on the minus strand). VCF-style: chr9-32491364-G-A. GRCh37 (hg19) VCF-style: chr9-32491362-G-A.
Other names: c.628C>T, p.Gln210Ter (NM_001385907.1, NM_001385909.1); c.187C>T, p.Gln63Ter (NM_001385910.1, NM_001385914.1); c.19C>T, p.Gln7Ter (NM_001385912.1); c.613C>T, p.Gln205Ter (NM_001385913.1); short protein forms Q7*, Q210*, Q63*, Q205*.
Identifiers: ClinVar variation 1904996 (VCV001904996.5), dbSNP rs745320070, ClinGen allele CA5020024.

ClinVar aggregate classification (germline): Uncertain significance (1 of 4 stars; one submission).

Allele frequency attached by ClinVar (database versions not stated): TOPMed below 0.00001; gnomAD 0.00001; ExAC 0.00002.
gnomAD v4.1: 2 of 1,612,922 alleles (0.00012%); highest among the groups gnomAD compares: Admixed American, 0.0017%; no homozygotes.

Submission:

Labcorp Genetics (formerly Invitae), Labcorp
Classification: Uncertain significance. Last evaluated: 2025-04-07. Review status: criteria provided, single submitter. Criteria: Invitae Variant Classification Sherloc (09022015). Collection method: clinical testing. Allele origin: germline.
Comment: This sequence change creates a premature translational stop signal (p.Gln210*) in the DDX58 gene. It is expected to result in an absent or disrupted protein product. However, the current clinical and genetic evidence is not sufficient to establish whether loss-of-function variants in DDX58 cause disease. This variant is present in population databases (rs745320070, gnomAD 0.0009%). This variant has not been reported in the literature in individuals affected with DDX58-related conditions. ClinVar contains an entry for this variant (Variation ID: 1904996). In summary, the available evidence is currently insufficient to determine the role of this variant in disease. Therefore, it has been classified as a Variant of Uncertain Significance.